The following is an entry in ClinVar:

NM_005262.3(GFER):c.81G>A (p.Met27Ile)

Genes: GFER (growth factor, augmenter of liver regeneration; plus strand), LOC130058203 (ATAC-STARR-seq lymphoblastoid silent region 7014; plus strand). Cytogenetic location: 16p13.3.
Variant type: single nucleotide variant.
Coding change: c.81G>A on transcript NM_005262.3 (MANE Select); coding-DNA position 81, G replaced by A.
Protein change: p.Met27Ile; replaces methionine 27 with isoleucine.
Molecular consequence: missense variant.
Genome position (GRCh38, 1-based): chr16:1,984,299, G>A. VCF-style: chr16-1984299-G-A. GRCh37 (hg19) VCF-style: chr16-2034300-G-A.
Other names: short protein forms M27I.
Identifiers: ClinVar variation 4760680 (VCV004760680.1).
Genomic context (GRCh38, chr16:1,984,299, plus strand): 5'-GGGCCGCTTCCACGGCGGGAACCTCTTCTTCCTGCCGGGGGGCGCGCGCTCCGAGATGAT[G>A]GACGACCTGGCGACCGACGCGCGGGGCCGGGGCGCGGGGCGGAGAGACGCGGCCGCCTCG-3'
Protein context (NP_005253.3, residues 17-37): FLPGGARSEM[Met27Ile]DDLATDARGR

ClinVar aggregate classification (germline): Uncertain significance (1 of 4 stars; one submission).

Submission:

Labcorp Genetics (formerly Invitae), Labcorp
Classification: Uncertain significance. Last evaluated: 2025-06-02. Review status: criteria provided, single submitter. Criteria: Invitae Variant Classification Sherloc (09022015). Collection method: clinical testing. Allele origin: germline.
Comment: This sequence change replaces methionine, which is neutral and non-polar, with isoleucine, which is neutral and non-polar, at codon 27 of the GFER protein (p.Met27Ile). This variant is not present in population databases (gnomAD no frequency). This variant has not been reported in the literature in individuals affected with GFER-related conditions. An algorithm developed to predict the effect of missense changes on protein structure and function (PolyPhen-2) suggests that this variant is likely to be tolerated. In summary, the available evidence is currently insufficient to determine the role of this variant in disease. Therefore, it has been classified as a Variant of Uncertain Significance.